The following is an entry in ClinVar:

ClinVar aggregate classification (germline): Uncertain significance (1 of 4 stars; one submission).

Submission:

Labcorp Genetics (formerly Invitae), Labcorp
Classification: Uncertain significance. Last evaluated: 2025-05-05. Review status: criteria provided, single submitter. Criteria: Invitae Variant Classification Sherloc (09022015). Collection method: clinical testing. Allele origin: germline.
Comment: This variant, c.1573_1575del, results in the deletion of 1 amino acid(s) of the MYH3 protein (p.Ile525del), but otherwise preserves the integrity of the reading frame. This variant is present in population databases (rs745614912, gnomAD 0.002%). This variant has not been reported in the literature in individuals affected with MYH3-related conditions. ClinVar contains an entry for this variant (Variation ID: 1940131). Experimental studies and prediction algorithms are not available or were not evaluated, and the functional significance of this variant is currently unknown. In summary, the available evidence is currently insufficient to determine the role of this variant in disease. Therefore, it has been classified as a Variant of Uncertain Significance.

NM_002470.4(MYH3):c.1573_1575del (p.Ile525del)

Gene: MYH3 (myosin heavy chain 3; minus strand). Cytogenetic location: 17p13.1.
Variant type: Deletion.
Coding change: c.1573_1575del on transcript NM_002470.4 (MANE Select); coding-DNA positions 1573 to 1575, 3 bases deleted (ATC; older notation c.1573_1575delATC).
Protein change: p.Ile525del; deletes isoleucine 525.
Molecular consequence: inframe deletion.
Genome position (GRCh38, 1-based): chr17:10,642,832-10,642,834, GAT deleted on the plus strand (ATC on the coding strand, the reverse complement: MYH3 is on the minus strand); deleting any 3 consecutive bases within chr17:10,642,832-10,642,836 gives the same sequence; the c. name uses the placement nearest the transcript's 3' end. VCF-style (leftmost placement, unchanged base first): chr17-10642831-CGAT-C. GRCh37 (hg19) VCF-style: chr17-10546148-CGAT-C.
Other names: short protein forms I525del.
Identifiers: ClinVar variation 1940131 (VCV001940131.5), dbSNP rs745614912, ClinGen allele CA8392983.